The following is an entry in ClinVar:

ClinVar aggregate classification (germline): Uncertain significance (1 of 4 stars; one submission).

Conditions:
Combined immunodeficiency due to OX40 deficiency. Also called: Immunodeficiency 16; OX40 DEFICIENCY. Identifiers: Orphanet 431149, MedGen C3810053, MONDO:0014268, OMIM 615593.

Allele frequency attached by ClinVar (database versions not stated): gnomAD exomes below 0.00001.
gnomAD v4.1: 1 of 1,612,650 alleles (0.000062%); highest among the groups gnomAD compares: Non-Finnish European, 0.000085%; no homozygotes.

Submission:

Labcorp Genetics (formerly Invitae), Labcorp
Classification: Uncertain significance for Combined immunodeficiency due to OX40 deficiency. Last evaluated: 2021-10-22. Review status: criteria provided, single submitter. Criteria: Invitae Variant Classification Sherloc (09022015). Collection method: clinical testing. Allele origin: germline.
Comment: This variant has not been reported in the literature in individuals affected with TNFRSF4-related conditions. In summary, the available evidence is currently insufficient to determine the role of this variant in disease. Therefore, it has been classified as a Variant of Uncertain Significance. Algorithms developed to predict the effect of missense changes on protein structure and function output the following: SIFT: "Tolerated"; PolyPhen-2: "Benign"; Align-GVGD: "Class C0". The asparagine amino acid residue is found in multiple mammalian species, which suggests that this missense change does not adversely affect protein function. This variant is not present in population databases (ExAC no frequency). This sequence change replaces serine with asparagine at codon 159 of the TNFRSF4 protein (p.Ser159Asn). The serine residue is moderately conserved and there is a small physicochemical difference between serine and asparagine.

NM_003327.4(TNFRSF4):c.476G>A (p.Ser159Asn)

Gene: TNFRSF4 (TNF receptor superfamily member 4; minus strand). Cytogenetic location: 1p36.33.
Variant type: single nucleotide variant.
Coding change: c.476G>A on transcript NM_003327.4 (MANE Select); coding-DNA position 476, G replaced by A.
Protein change: p.Ser159Asn; replaces serine 159 with asparagine.
Molecular consequence: missense variant.
Genome position (GRCh38, 1-based): chr1:1,212,100, C>T on the plus strand (G>A on the coding strand, the complement: TNFRSF4 is on the minus strand). VCF-style: chr1-1212100-C-T. GRCh37 (hg19) VCF-style: chr1-1147480-C-T.
Other names: short protein forms S159N.
Identifiers: ClinVar variation 1388596 (VCV001388596.6), dbSNP rs2100950885, ClinGen allele CA337799580.